The following is an entry in ClinVar:

ClinVar aggregate classification (germline): Uncertain significance (1 of 4 stars; one submission).

Conditions:
Brugada syndrome. Also called: Sudden unexpected nocturnal death syndrome; Sudden unexplained nocturnal death syndrome; Sudden Unexplained Death Syndrome; Sudden Unexplained Nocturnal Death Syndrome (SUNDS). Identifiers: Orphanet 130, MedGen C1142166, MONDO:0015263.

Submission:

Labcorp Genetics (formerly Invitae), Labcorp
Classification: Uncertain significance for Brugada syndrome. Last evaluated: 2025-11-22. Review status: criteria provided, single submitter. Criteria: Invitae Variant Classification Sherloc (09022015). Collection method: clinical testing. Allele origin: germline.
Comment: This sequence change replaces asparagine, which is neutral and polar, with aspartic acid, which is acidic and polar, at codon 156 of the SLMAP protein (p.Asn156Asp). This variant is not present in population databases (gnomAD no frequency). This variant has not been reported in the literature in individuals affected with SLMAP-related conditions. An algorithm developed to predict the effect of missense changes on protein structure and function (PolyPhen-2) suggests that this variant is likely to be tolerated. In summary, the available evidence is currently insufficient to determine the role of this variant in disease. Therefore, it has been classified as a Variant of Uncertain Significance.

NM_001377540.1(SLMAP):c.466A>G (p.Asn156Asp)

Gene: SLMAP (sarcolemma associated protein; plus strand). Cytogenetic location: 3p14.3.
Variant type: single nucleotide variant.
Coding change: c.466A>G on transcript NM_001377540.1 (MANE Select); coding-DNA position 466, A replaced by G.
Protein change: p.Asn156Asp; replaces asparagine 156 with aspartic acid.
Molecular consequence: missense variant. On other transcripts: non-coding transcript variant (1).
Genome position (GRCh38, 1-based): chr3:57,849,763, A>G. VCF-style: chr3-57849763-A-G. GRCh37 (hg19) VCF-style: chr3-57835490-A-G.
Other names: c.466A>G, p.Asn156Asp (NM_001304420.3, NM_001304421.2, NM_001377538.1 and 17 more transcripts); short protein forms N156D.
Identifiers: ClinVar variation 4798644 (VCV004798644.1).